The following is an entry in ClinVar:

NM_002439.5(MSH3):c.2012T>C (p.Val671Ala)

Gene: MSH3 (mutS homolog 3; plus strand). Cytogenetic location: 5q14.1.
Variant type: single nucleotide variant.
Coding change: c.2012T>C on transcript NM_002439.5 (MANE Select); coding-DNA position 2012, T replaced by C.
Protein change: p.Val671Ala; replaces valine 671 with alanine.
Molecular consequence: missense variant.
Genome position (GRCh38, 1-based): chr5:80,768,048, T>C. VCF-style: chr5-80768048-T-C. GRCh37 (hg19) VCF-style: chr5-80063867-T-C.
Other names: short protein forms V671A.
Identifiers: ClinVar variation 966235 (VCV000966235.13), dbSNP rs1196357562, ClinGen allele CA360277744.

ClinVar aggregate classification (germline): Uncertain significance. Review status: criteria provided, multiple submitters, no conflicts (2 of 4 stars). 3 submissions from 3 submitters: Uncertain significance (3). Last evaluated 2026-01-19.

Conditions:
Hereditary cancer-predisposing syndrome. Also called: Tumor predisposition; Hereditary neoplastic syndrome; Neoplastic Syndromes, Hereditary; Hereditary Cancer Syndrome. Identifiers: Orphanet 140162, MedGen C0027672, MeSH D009386, MONDO:0015356.

Allele frequency attached by ClinVar (database versions not stated): gnomAD exomes 0.00001; gnomAD 0.00001; TOPMed 0.00001.
gnomAD v4.1: 5 of 1,613,726 alleles (0.00031%); highest among the groups gnomAD compares: Middle Eastern, 0.016%; no homozygotes.

Submissions (3):

Dasa
Classification: Uncertain significance. Last evaluated: 2026-01-19. Review status: criteria provided, single submitter. Criteria: DASA Assertion Criteria. Collection method: clinical testing. Allele origin: germline.
Comment: NM_002439.5(MSH3):c.2012T>C (p.Val671Ala) is a missense variant that results in the substitution of valine with alanine. This variant is rare in population databases. The currently available literature and clinical evidence are not sufficient to establish a definitive association between this variant and the reported condition. Therefore, this variant is classified as a variant of uncertain significance.

Ambry Genetics
Classification: Uncertain significance for Hereditary cancer-predisposing syndrome. Last evaluated: 2025-11-17. Review status: criteria provided, single submitter. Criteria: Ambry Variant Classification Scheme 2023. Collection method: clinical testing. Allele origin: germline.
Comment: The p.V671A variant (also known as c.2012T>C), located in coding exon 14 of the MSH3 gene, results from a T to C substitution at nucleotide position 2012. The valine at codon 671 is replaced by alanine, an amino acid with similar properties. This amino acid position is conserved. In addition, this alteration is predicted to be tolerated by in silico analysis. Since supporting evidence is limited at this time, the clinical significance of this alteration remains unclear.

Labcorp Genetics (formerly Invitae), Labcorp
Classification: Uncertain significance. Last evaluated: 2025-08-11. Review status: criteria provided, single submitter. Criteria: Invitae Variant Classification Sherloc (09022015). Collection method: clinical testing. Allele origin: germline.
Comment: This sequence change replaces valine, which is neutral and non-polar, with alanine, which is neutral and non-polar, at codon 671 of the MSH3 protein (p.Val671Ala). This variant is present in population databases (no rsID available, gnomAD 0.007%). This variant has not been reported in the literature in individuals affected with MSH3-related conditions. ClinVar contains an entry for this variant (Variation ID: 966235). An algorithm developed to predict the effect of missense changes on protein structure and function (PolyPhen-2) suggests that this variant is likely to be tolerated. In summary, the available evidence is currently insufficient to determine the role of this variant in disease. Therefore, it has been classified as a Variant of Uncertain Significance.